The following is an entry in ClinVar:

NM_005477.3(HCN4):c.2885del (p.Pro962fs)

Gene: HCN4 (hyperpolarization activated cyclic nucleotide gated potassium channel 4; minus strand). Cytogenetic location: 15q24.1.
Variant type: Deletion.
Coding change: c.2885del on transcript NM_005477.3 (MANE Select); coding-DNA position 2885, one base deleted (C; older notation c.2885delC).
Protein change: p.Pro962fs; shifts the reading frame from proline 962.
Molecular consequence: frameshift variant.
Genome position (GRCh38, 1-based): chr15:73,323,208, G deleted on the plus strand (C on the coding strand, the reverse complement: HCN4 is on the minus strand); the first of 5 consecutive G bases (chr15:73,323,208-73,323,212); deleting any one gives the same sequence. VCF-style (leftmost placement, unchanged base first): chr15-73323207-TG-T. GRCh37 (hg19) VCF-style: chr15-73615548-TG-T.
Other names: short protein forms P962fs.
Identifiers: ClinVar variation 3645576 (VCV003645576.2).

ClinVar aggregate classification (germline): Uncertain significance (1 of 4 stars; one submission).

Conditions:
Brugada syndrome 8 (BRGDA8). Identifiers: Orphanet 130, MedGen C2751083, MONDO:0013148, OMIM 613123.

Submission:

Labcorp Genetics (formerly Invitae), Labcorp
Classification: Uncertain significance for Brugada syndrome 8. Last evaluated: 2024-03-12. Review status: criteria provided, single submitter. Criteria: Invitae Variant Classification Sherloc (09022015). Collection method: clinical testing. Allele origin: germline.
Comment: This sequence change creates a premature translational stop signal (p.Pro962Hisfs*23) in the HCN4 gene. While this is not anticipated to result in nonsense mediated decay, it is expected to disrupt the last 242 amino acid(s) of the HCN4 protein. This variant is not present in population databases (gnomAD no frequency). This variant has not been reported in the literature in individuals affected with HCN4-related conditions. Experimental studies and prediction algorithms are not available or were not evaluated, and the functional significance of this variant is currently unknown. In summary, the available evidence is currently insufficient to determine the role of this variant in disease. Therefore, it has been classified as a Variant of Uncertain Significance.